The following is an entry in ClinVar:

NM_001289998.1(THPO):c.-418G>A

Gene: THPO (thrombopoietin; minus strand). Cytogenetic location: 3q27.1.
Variant type: single nucleotide variant.
Coding change: c.-418G>A on transcript NM_001289998.1; 418 bases upstream of the start codon, G replaced by A.
Molecular consequence: 5 prime UTR variant. On other transcripts: intron variant (1), missense variant (1), initiator codon variant (1).
Genome position (GRCh38, 1-based): chr3:184,378,347, C>T on the plus strand (G>A on the coding strand, the complement: THPO is on the minus strand). VCF-style: chr3-184378347-C-T. GRCh37 (hg19) VCF-style: chr3-184096135-C-T.
Other names: c.-146+1244G>A (NM_001290028.1); c.3G>A, p.Met1Ile (NM_001290003.1); c.-418G>A (NM_001290022.1, NM_001290026.1, NM_001290027.1); short protein forms M1I.
Identifiers: ClinVar variation 4539962 (VCV004539962.2).

ClinVar aggregate classification (germline): Conflicting classifications of pathogenicity. Review status: criteria provided, conflicting classifications (1 of 4 stars). 2 submissions from 2 submitters: Uncertain significance (1); Likely benign (1). Last evaluated 2025-06-24.

gnomAD v4.1: 483 of 985,516 alleles (0.049%); highest among the groups gnomAD compares: Non-Finnish European, 0.054%; no homozygotes.

Submissions (2):

GeneDx
Classification: Uncertain significance. Last evaluated: 2025-06-24. Review status: criteria provided, single submitter. Criteria: GeneDx Variant Classification Process June 2021. Collection method: clinical testing. Allele origin: germline. Affected: yes.
Comment: Initiation codon variant in a gene for which loss of function is a known mechanism of disease; Has not been previously published as pathogenic or benign to our knowledge; Reported using an alternate transcript of the gene

Blueprint Genetics
Classification: Likely benign. Last evaluated: 2024-10-17. Review status: criteria provided, single submitter. Criteria: ACMG Guidelines, 2015. Collection method: clinical testing. Allele origin: germline.